The following is an entry in ClinVar:

ClinVar aggregate classification (germline): Likely pathogenic. Review status: criteria provided, multiple submitters, no conflicts (2 of 4 stars). 2 submissions from 2 submitters: Likely pathogenic (2). Last evaluated 2024-02-06.

Conditions:
Autosomal recessive nonsyndromic hearing loss 18B. Also called: Deafness, autosomal recessive 18b. Identifiers: Orphanet 90636, MedGen C3554163, MONDO:0013985, OMIM 614945.

gnomAD v4.1: 2 of 1,550,786 alleles (0.00013%); highest among the groups gnomAD compares: East Asian, 0.0049%; no homozygotes.

Submissions (2):

3billion
Classification: Likely pathogenic for Autosomal recessive nonsyndromic hearing loss 18B. Last evaluated: 2024-02-06. Review status: criteria provided, single submitter. Criteria: ACMG Guidelines, 2015. Collection method: clinical testing. Allele origin: germline. Affected: yes.
Comment: The variant is not observed in the gnomAD v2.1.1 dataset. Predicted Consequence/Location: Stop-gained (nonsense): predicted to result in a loss or disruption of normal protein function through nonsense-mediated decay (NMD) or protein truncation. Multiple pathogenic variants are reported downstream of the variant. Therefore, this variant is classified as Likely pathogenic according to the recommendation of ACMG/AMP guideline.

Juno Genomics, Hangzhou Juno Genomics, Inc
Classification: Likely pathogenic for Autosomal recessive nonsyndromic hearing loss 18B. Review status: criteria provided, single submitter. Criteria: ACMG Guidelines, 2015. Collection method: clinical testing. Allele origin: germline.
Comment: Absent from controls (or at extremely low frequency if recessive) in Genome Aggregation Database.;Null variant in a gene where loss of function (LOF) is a known mechanism of disease.

NM_001292063.2(OTOG):c.7048G>T (p.Glu2350Ter)

Gene: OTOG (otogelin; plus strand). Cytogenetic location: 11p15.1.
Variant type: single nucleotide variant.
Coding change: c.7048G>T on transcript NM_001292063.2 (MANE Select); coding-DNA position 7048, G replaced by T.
Protein change: p.Glu2350Ter; replaces glutamic acid 2350 with a stop codon.
Molecular consequence: nonsense.
Genome position (GRCh38, 1-based): chr11:17,632,202, G>T. VCF-style: chr11-17632202-G-T. GRCh37 (hg19) VCF-style: chr11-17653749-G-T.
Other names: c.7084G>T, p.Glu2362Ter (NM_001277269.2); short protein forms E2350*, E2362*.
Identifiers: ClinVar variation 3775981 (VCV003775981.3).